The following is an entry in ClinVar:

ClinVar aggregate classification (germline): Uncertain significance (1 of 4 stars; one submission).

Submission:

Labcorp Genetics (formerly Invitae), Labcorp
Classification: Uncertain significance. Last evaluated: 2021-02-08. Review status: criteria provided, single submitter. Criteria: Invitae Variant Classification Sherloc (09022015). Collection method: clinical testing. Allele origin: germline.
Comment: This sequence change replaces glutamic acid with aspartic acid at codon 44 of the NEUROD1 protein (p.Glu44Asp). The glutamic acid residue is highly conserved and there is a small physicochemical difference between glutamic acid and aspartic acid. The frequency data for this variant in the population databases is not available, as this variant may be reported as separate entries in the ExAC database. This variant has not been reported in the literature in individuals with NEUROD1-related conditions. Experimental studies and prediction algorithms are not available or were not evaluated, and the functional significance of this variant is currently unknown. In summary, the available evidence is currently insufficient to determine the role of this variant in disease. Therefore, it has been classified as a Variant of Uncertain Significance.

NM_002500.5(NEUROD1):c.132_133delinsTG (p.Glu44_Thr45delinsAspAla)

Gene: NEUROD1 (neuronal differentiation 1; minus strand). Cytogenetic location: 2q31.3.
Variant type: Indel.
Coding change: c.132_133delinsTG on transcript NM_002500.5 (MANE Select); coding-DNA positions 132 to 133, AA replaced by TG.
Protein change: p.Glu44_Thr45delinsAspAla.
Molecular consequence: missense variant.
Genome position (GRCh38, 1-based): chr2:181,678,728-181,678,729, TT replaced by CA on the plus strand (AA replaced by TG on the coding strand, the reverse complement: NEUROD1 is on the minus strand). VCF-style: chr2-181678728-TT-CA. GRCh37 (hg19) VCF-style: chr2-182543455-TT-CA.
Identifiers: ClinVar variation 1405932 (VCV001405932.1), dbSNP rs2105595820, ClinGen allele CA2573134260.